The following is an entry in ClinVar:

ClinVar aggregate classification (germline): Uncertain significance (1 of 4 stars; one submission).

Allele frequency attached by ClinVar (database versions not stated): gnomAD exomes below 0.00001.
gnomAD v4.1: 2 of 1,610,918 alleles (0.00012%); highest among the groups gnomAD compares: South Asian, 0.0011%; no homozygotes.

Submission:

Labcorp Genetics (formerly Invitae), Labcorp
Classification: Uncertain significance. Last evaluated: 2022-12-03. Review status: criteria provided, single submitter. Criteria: Invitae Variant Classification Sherloc (09022015). Collection method: clinical testing. Allele origin: germline.
Comment: In summary, the available evidence is currently insufficient to determine the role of this variant in disease. Therefore, it has been classified as a Variant of Uncertain Significance. Advanced modeling of protein sequence and biophysical properties (such as structural, functional, and spatial information, amino acid conservation, physicochemical variation, residue mobility, and thermodynamic stability) performed at Invitae indicates that this missense variant is not expected to disrupt JAK2 protein function. This variant has not been reported in the literature in individuals affected with JAK2-related conditions. This variant is not present in population databases (gnomAD no frequency). This sequence change replaces histidine, which is basic and polar, with arginine, which is basic and polar, at codon 345 of the JAK2 protein (p.His345Arg).

NM_004972.4(JAK2):c.1034A>G (p.His345Arg)

Genes: INSL6 (insulin like 6; minus strand), JAK2 (Janus kinase 2; plus strand). Cytogenetic location: 9p24.1.
Variant type: single nucleotide variant.
Coding change: c.1034A>G on transcript NM_004972.4 (MANE Select); coding-DNA position 1034, A replaced by G.
Protein change: p.His345Arg; replaces histidine 345 with arginine.
Molecular consequence: missense variant. On other transcripts: 5 prime UTR variant (2), non-coding transcript variant (2).
Genome position (GRCh38, 1-based): chr9:5,055,766, A>G. VCF-style: chr9-5055766-A-G. GRCh37 (hg19) VCF-style: chr9-5055766-A-G.
Other names: c.1034A>G, p.His345Arg (NM_001322194.2, NM_001322195.2, NM_001322196.2); c.-182A>G (NM_001322198.2, NM_001322199.2); c.587A>G, p.His196Arg (NM_001322204.2); short protein forms H196R, H345R.
Identifiers: ClinVar variation 2782107 (VCV002782107.3), dbSNP rs2488977949, ClinGen allele CA372821766.